The following is an entry in ClinVar:

ClinVar aggregate classification (germline): Uncertain significance. Review status: criteria provided, multiple submitters, no conflicts (2 of 4 stars). 2 submissions from 2 submitters: Uncertain significance (2). Last evaluated 2022-03-04.

Conditions:
Cortical dysplasia-focal epilepsy syndrome (PTHSL1). Also called: Pitt-Hopkins-like syndrome 1. Identifiers: Orphanet 163681, Orphanet 221150, MedGen C2750246, MONDO:0012400, OMIM 610042.

Allele frequency attached by ClinVar (database versions not stated): gnomAD exomes below 0.00001; TOPMed below 0.00001; gnomAD 0.00001.
gnomAD v4.1: 6 of 1,613,930 alleles (0.00037%); highest among the groups gnomAD compares: African/African-American, 0.0013%; no homozygotes.

Submissions (2):

Labcorp Genetics (formerly Invitae), Labcorp
Classification: Uncertain significance for Cortical dysplasia-focal epilepsy syndrome. Last evaluated: 2022-03-04. Review status: criteria provided, single submitter. Criteria: Invitae Variant Classification Sherloc (09022015). Collection method: clinical testing. Allele origin: germline.
Comment: This variant has not been reported in the literature in individuals affected with CNTNAP2-related conditions. ClinVar contains an entry for this variant (Variation ID: 373714). Algorithms developed to predict the effect of missense changes on protein structure and function are either unavailable or do not agree on the potential impact of this missense change (SIFT: "Deleterious"; PolyPhen-2: "Probably Damaging"; Align-GVGD: "Class C0"). In summary, the available evidence is currently insufficient to determine the role of this variant in disease. Therefore, it has been classified as a Variant of Uncertain Significance. This variant is present in population databases (no rsID available, gnomAD 0.007%). This sequence change replaces serine, which is neutral and polar, with asparagine, which is neutral and polar, at codon 269 of the CNTNAP2 protein (p.Ser269Asn).

GeneDx
Classification: Uncertain significance. Last evaluated: 2016-12-09. Review status: criteria provided, single submitter. Criteria: GeneDx Variant Classification (06012015). Collection method: clinical testing. Allele origin: germline. Affected: yes.
Comment: A variant of uncertain significance has been identified in the CNTNAP2 gene. The S269N variant has not been published as a pathogenic variant, nor has it been reported as a benign variant to our knowledge. The S269N variant is not observed in large population cohorts (Lek et al., 2016; 1000 Genomes Consortium et al., 2015; Exome Variant Server). The S269N variant is a conservative amino acid substitution, which is not likely to impact secondary protein structure as these residues share similar properties. This substitution occurs at a position where amino acids with similar properties to Serine are tolerated across species. However, in silico analysis is inconsistent in its predictions as to whether or not the variant is damaging to the protein structure/function. Therefore, based on the currently available information, it is unclear whether this variant is a pathogenic variant or a rare benign variant.

NM_014141.6(CNTNAP2):c.806G>A (p.Ser269Asn)

Gene: CNTNAP2 (contactin associated protein 2; plus strand). Cytogenetic location: 7q35.
Variant type: single nucleotide variant.
Coding change: c.806G>A on transcript NM_014141.6 (MANE Select); coding-DNA position 806, G replaced by A.
Protein change: p.Ser269Asn; replaces serine 269 with asparagine.
Molecular consequence: missense variant.
Genome position (GRCh38, 1-based): chr7:147,121,030, G>A. VCF-style: chr7-147121030-G-A. GRCh37 (hg19) VCF-style: chr7-146818122-G-A.
Other names: short protein forms S269N.
Identifiers: ClinVar variation 373714 (VCV000373714.5), dbSNP rs1057518565, ClinGen allele CA16042672.